The following is an entry in ClinVar:

ClinVar aggregate classification (germline): Pathogenic (1 of 4 stars; one submission).

Conditions:
Hereditary hemochromatosis (HFE). Identifiers: MedGen C0392514, MONDO:0006507. Disease mechanism: loss of function.

gnomAD v4.1: 1 of 1,612,802 alleles (0.000062%); highest among the groups gnomAD compares: African/African-American, 0.0013%; no homozygotes.

Submission:

Labcorp Genetics (formerly Invitae), Labcorp
Classification: Pathogenic for Hereditary hemochromatosis. Last evaluated: 2023-07-31. Review status: criteria provided, single submitter. Criteria: Invitae Variant Classification Sherloc (09022015). Collection method: clinical testing. Allele origin: germline.
Comment: For these reasons, this variant has been classified as Pathogenic. This variant has not been reported in the literature in individuals affected with HFE-related conditions. This variant is not present in population databases (gnomAD no frequency). This sequence change creates a premature translational stop signal (p.Gln204*) in the HFE gene. It is expected to result in an absent or disrupted protein product. Loss-of-function variants in HFE are known to be pathogenic (PMID: 27518069).

Literature cited by the submitters: PubMed 27518069.

NM_000410.4(HFE):c.610C>T (p.Gln204Ter)

Gene: HFE (homeostatic iron regulator; plus strand). Cytogenetic location: 6p22.2.
Variant type: single nucleotide variant.
Coding change: c.610C>T on transcript NM_000410.4 (MANE Select); coding-DNA position 610, C replaced by T.
Protein change: p.Gln204Ter; replaces glutamine 204 with a stop codon.
Molecular consequence: nonsense. On other transcripts: intron variant (4).
Genome position (GRCh38, 1-based): chr6:26,091,583, C>T. VCF-style: chr6-26091583-C-T. GRCh37 (hg19) VCF-style: chr6-26091811-C-T.
Other names: c.610C>T, p.Gln204Ter (NM_001300749.3, NM_001384164.1, NM_001406751.1 and 1 more transcripts); c.346C>T, p.Gln116Ter (NM_001406752.1, NM_139007.3, NM_139008.3); c.541C>T, p.Gln181Ter (NM_139009.3); c.340+479C>T (NM_139004.3, NM_139003.3); c.77-1102C>T (NM_139010.3); c.77-1536C>T (NM_139011.3); short protein forms Q181*, Q116*, Q204*.
Identifiers: ClinVar variation 2962260 (VCV002962260.3), dbSNP rs771784900, ClinGen allele CA363207283.